The following is an entry in ClinVar:

NM_016390.4(SPOUT1):c.458+6G>C

Genes: KYAT1-SPOUT1 (KYAT1-SPOUT1 readthrough; minus strand), SPOUT1 (SPOUT domain containing methyltransferase 1; minus strand). Cytogenetic location: 9q34.11.
Variant type: single nucleotide variant.
Coding change: c.458+6G>C on transcript NM_016390.4 (MANE Select); 6 bases into the intron after coding-DNA position 458, G replaced by C.
Molecular consequence: intron variant.
Genome position (GRCh38, 1-based): chr9:128,826,534, C>G on the plus strand (G>C on the coding strand, the complement: SPOUT1 is on the minus strand). VCF-style: chr9-128826534-C-G. GRCh37 (hg19) VCF-style: chr9-131588813-C-G.
Other names: c.1805+6G>C (NM_001414398.1).
Identifiers: ClinVar variation 3059446 (VCV003059446.2), dbSNP rs6478853, ClinGen allele CA5269897.

ClinVar aggregate classification (germline): Benign (0 of 4 stars; one submission).

Conditions:
SPOUT1-related disorder. Also called: SPOUT1-related condition.

Allele frequency attached by ClinVar (database versions not stated): ExAC 0.28919; gnomAD 0.34009; TOPMed 0.35127; ESP Exome Variant Server 0.36122; 1000 Genomes Project 0.38299; 1000 Genomes Project 30x 0.39397.
gnomAD v4.1: 436,477 of 1,610,026 alleles (27%); highest among the groups gnomAD compares: African/African-American, 59%; 64,424 homozygotes.

Submission:

PreventionGenetics, part of Exact Sciences
Classification: Benign for SPOUT1-related condition. Last evaluated: 2019-10-18. Review status: no assertion criteria provided. Collection method: clinical testing. Allele origin: germline.
Comment: This variant is classified as benign based on ACMG/AMP sequence variant interpretation guidelines (Richards et al. 2015 PMID: 25741868, with internal and published modifications).